The following is an entry in ClinVar:

NC_000012.12:g.120978483_120978484del

Gene: HNF1A (HNF1 homeobox A; plus strand). Cytogenetic location: 12q24.31.
Variant type: Deletion.
Genome position: GRCh38 VCF-style: chr12-120978482-GTC-G. GRCh37 (hg19) VCF-style: chr12-121416285-GTC-G.
Other names: Single allele.
Identifiers: ClinVar variation 1676714 (VCV001676714.4), dbSNP rs2135818767, ClinGen allele CA2573051029.

ClinVar aggregate classification (germline): Uncertain significance (3 of 4 stars; one submission).

Conditions:
Monogenic diabetes. Identifiers: Orphanet 183625, MedGen C3888631, MONDO:0015967.

Submission:

ClinGen Monogenic Diabetes Variant Curation Expert Panel
Classification: Uncertain significance for Monogenic diabetes. Last evaluated: 2025-07-24. Review status: reviewed by expert panel. Criteria: ClinGen Diabetes ACMG Specifications HNF1A V3.0.0. Collection method: curation. Allele origin: germline. Inheritance: Autosomal dominant inheritance.
Comment: The c.-286_-285del variant in the HNF1 homeobox A gene, HNF1A, is located in the promoter of NM_000545.8. This region is defined as critical for the protein’s function by the ClinGen MDEP (PM1_Supporting) and is absent from gnomAD v2.1.1 (PM2_Supporting). This variant was identified in an individual with a clinical history suggestive of HNF1A-MODY (MODY probability calculator result nearly 50%); however, HNF4A was not tested (internal lab contributors), and therefore PP4 was not applied. In summary, c.-286_-285del meets the criteria to be classified as a variant of uncertain significance for monogenic diabetes. ACMG/AMP criteria applied, as specified by the ClinGen MDEP (specification version 3.0.0, approved 6/30/2025): PM1_supporting, PM2_Supporting.